The following is an entry in ClinVar:

NM_007294.4(BRCA1):c.5536C>T (p.Gln1846Ter)

Gene: BRCA1 (BRCA1 DNA repair associated; minus strand). Cytogenetic location: 17q21.31.
Variant type: single nucleotide variant.
Coding change: c.5536C>T on transcript NM_007294.4 (MANE Select); coding-DNA position 5536, C replaced by T.
Protein change: p.Gln1846Ter; replaces glutamine 1846 with a stop codon.
Molecular consequence: nonsense. On other transcripts: 3 prime UTR variant (1), non-coding transcript variant (1).
Genome position (GRCh38, 1-based): chr17:43,045,734, G>A on the plus strand (C>T on the coding strand, the complement: BRCA1 is on the minus strand). VCF-style: chr17-43045734-G-A. GRCh37 (hg19) VCF-style: chr17-41197751-G-A.
Other names: c.5323C>T, p.Gln1775Ter (NM_001407898.1, NM_001407899.1, NM_001407900.1 and 12 more transcripts); c.2932C>T, p.Gln978Ter (NM_001407968.1); c.2929C>T, p.Gln977Ter (NM_001407969.1); c.2293C>T, p.Gln765Ter (NM_001407970.1, NM_001407971.1); c.2290C>T, p.Gln764Ter (NM_001407972.1); c.2227C>T, p.Gln743Ter (NM_001407973.1, NM_001407974.1, NM_001407975.1 and 3 more transcripts); c.2104C>T, p.Gln702Ter (NM_001408428.1, NM_001408429.1, NM_001408430.1 and 4 more transcripts); c.2101C>T, p.Gln701Ter (NM_001408432.1, NM_001408433.1, NM_001408434.1 and 10 more transcripts); and 74 more; short protein forms Q1846*, Q1867*, Q1799*, Q742*, Q1719*, Q1733*, Q1734*, Q1775*.
Identifiers: ClinVar variation 55620 (VCV000055620.21), dbSNP rs80356873, ClinGen allele CA003704.

ClinVar aggregate classification (germline): Pathogenic. Review status: reviewed by expert panel (3 of 4 stars). 8 submissions from 8 submitters: Pathogenic (1). 7 of the submissions do not count toward it. Last evaluated 2016-09-08.

Conditions:
Breast-ovarian cancer, familial, susceptibility to, 1 (BROVCA1). Also called: BRCA1 Hereditary Breast and Ovarian Cancer; OVARIAN CANCER, SUSCEPTIBILITY TO. Identifiers: Orphanet 145, MedGen C2676676, MONDO:0011450, OMIM 604370. Disease mechanism: loss of function.
Hereditary cancer-predisposing syndrome. Also called: Hereditary Cancer Syndrome; Hereditary neoplastic syndrome; Neoplastic Syndromes, Hereditary; Tumor predisposition. Identifiers: Orphanet 140162, MedGen C0027672, MeSH D009386, MONDO:0015356.
Hereditary breast ovarian cancer syndrome. Also called: BRCA1- and BRCA2-Associated Hereditary Breast and Ovarian Cancer; Hereditary breast and ovarian cancer syndrome; Hereditary breast and ovarian cancer syndrome (HBOC); Breast and ovarian cancer; Hereditary breast and/or ovarian cancer syndrome; Hereditary breast and ovarian cancer. Identifiers: Orphanet 145, MedGen C0677776, MeSH D061325, MONDO:0003582. Disease mechanism: loss of function.

Submissions (9):

Evidence-based Network for the Interpretation of Germline Mutant Alleles (ENIGMA)
Classification: Pathogenic for Breast-ovarian cancer, familial, susceptibility to, 1. Last evaluated: 2016-09-08. Review status: reviewed by expert panel. Criteria: ENIGMA BRCA1/2 Classification Criteria (2015). Collection method: curation. Allele origin: germline.
Comment: Variant allele predicted to encode a truncated non-functional protein.

Women's Health and Genetics/Laboratory Corporation of America, LabCorp
Classification: Pathogenic for Hereditary breast ovarian cancer syndrome. Last evaluated: 2023-05-18. Review status: criteria provided, single submitter. Criteria: LabCorp Variant Classification Summary - May 2015. Collection method: clinical testing. Allele origin: germline. Not counted in ClinVar's aggregate classification.
Comment: Variant summary: BRCA1 c.5536C>T (p.Gln1846X) results in a premature termination codon, while it is not expected to exhibit nonsense mediated decay, it is predicted to cause a truncation of the encoded protein, a commonly known mechanism for disease. The variant was absent in 250938 control chromosomes (gnomAD). c.5536C>T has been reported in the literature in multiple individuals from at least seven different families affected with Hereditary Breast And Ovarian Cancer Syndrome (e.g Kroiss_2005, Rebbeck_2018). These data indicate that the variant is very likely to be associated with disease. At least one functional study reports experimental evidence evaluating an impact on protein function and showed that this variant was non-functional with respect to homology directed repair (HDR) activity (e.g. Findlay_2018). The following publications have been ascertained in the context of this evaluation (PMID: 30209399, 16287141, 29446198). Four submitters, including an expert panel (ENIGMA) have provided clinical-significance assessments for this variant to ClinVar after 2014 and all classified the variant as pathogenic. Based on the evidence outlined above, the variant was classified as pathogenic.

Labcorp Genetics (formerly Invitae), Labcorp
Classification: Pathogenic for Hereditary breast ovarian cancer syndrome. Last evaluated: 2022-10-03. Review status: criteria provided, single submitter. Criteria: Invitae Variant Classification Sherloc (09022015). Collection method: clinical testing. Allele origin: germline. Not counted in ClinVar's aggregate classification.
Comment: This sequence change creates a premature translational stop signal (p.Gln1846*) in the BRCA1 gene. While this is not anticipated to result in nonsense mediated decay, it is expected to disrupt the last 18 amino acid(s) of the BRCA1 protein. This variant is not present in population databases (gnomAD no frequency). This premature translational stop signal has been observed in individual(s) with hereditary breast and/or ovarian cancer (PMID: 16287141, 29446198, 30702160). ClinVar contains an entry for this variant (Variation ID: 55620). Algorithms developed to predict the effect of variants on protein structure and function are not available or were not evaluated for this variant. Experimental studies have shown that this premature translational stop signal affects BRCA1 function (PMID: 30209399). This variant disrupts a region of the BRCA1 protein in which other variant(s) (p.Tyr1853*) have been determined to be pathogenic (PMID: 10811118, 20104584, 21922593, 24504028). This suggests that this is a clinically significant region of the protein, and that variants that disrupt it are likely to be disease-causing. For these reasons, this variant has been classified as Pathogenic.

Ambry Genetics
Classification: Pathogenic for Hereditary cancer-predisposing syndrome. Last evaluated: 2022-05-10. Review status: criteria provided, single submitter. Criteria: Ambry Variant Classification Scheme 2023. Collection method: clinical testing. Allele origin: germline. Not counted in ClinVar's aggregate classification.
Comment: The p.Q1846* pathogenic mutation (also known as c.5536C>T), located in coding exon 22 of the BRCA1 gene, results from a C to T substitution at nucleotide position 5536. This changes the amino acid from a glutamine to a stop codon within coding exon 22. This alteration occurs at the 3' terminus of theBRCA1 gene, is not expected to trigger nonsense-mediated mRNA decay, and only impacts the last 18 amino acids of the protein. However, premature stop codons are typically deleterious in nature and the impacted region is critical for protein function (Ambry internal data). This mutation has been reported in individuals with hereditary breast and/or ovarian cancer (Kroiss R et al. Hum. Mutat., 2005 Dec;26:583-9; Cavallone L et al. Fam. Cancer, 2010 Dec;9:507-17; Kuo WH et al. J. Hum. Genet., 2012 Feb;57:130-8). Based on the supporting evidence, this alteration is interpreted as a disease-causing mutation.

Consortium of Investigators of Modifiers of BRCA1/2 (CIMBA), c/o University of Cambridge
Classification: Pathogenic for Breast-ovarian cancer, familial, susceptibility to, 1. Last evaluated: 2015-10-02. Review status: criteria provided, single submitter. Criteria: CIMBA Mutation Classification guidelines May 2016. Collection method: clinical testing. Allele origin: germline. Not counted in ClinVar's aggregate classification.

Molecular Endocrinology Laboratory, Christian Medical College
Classification: Pathogenic for Breast-ovarian cancer, familial, susceptibility to, 1. Review status: criteria provided, single submitter. Criteria: ACMG Guidelines, 2015. Collection method: clinical testing. Allele origin: germline. Affected: yes. Not counted in ClinVar's aggregate classification.

Counsyl
Classification: Likely pathogenic for Breast-ovarian cancer, familial 1. Last evaluated: 2014-04-24. Review status: no assertion criteria provided. Collection method: literature only. Allele origin: unknown. Inheritance: Autosomal dominant inheritance. Not counted in ClinVar's aggregate classification.

Breast Cancer Information Core (BIC) (BRCA1)
Classification: Pathogenic for Breast-ovarian cancer, familial 1. Last evaluated: 2004-02-20. Review status: no assertion criteria provided. Collection method: clinical testing. Allele origin: germline. Affected: yes. Observed: 2 variant alleles. Not counted in ClinVar's aggregate classification.

Brotman Baty Institute, University of Washington
No classification provided (evidence only). Condition: Breast-ovarian cancer, familial 1. Review status: no classification provided. Collection method: in vitro. Allele origin: not applicable. Functional consequence: functionally_abnormal. Not counted in ClinVar's aggregate classification.
ClinVar note: "not provided" was previously submitted as the classification for the variant. However, the classification appeared to be based only on an observation of functional data so it was converted to no classification on 2025-07-30.

Literature cited by the submitters: PubMed 16287141 (cited by 4 submitters); PubMed 29446198 (cited by Women's Health and Genetics/Laboratory Corporation of America, LabCorp and Labcorp Genetics (formerly Invitae), Labcorp); PubMed 30209399 (cited by Women's Health and Genetics/Laboratory Corporation of America, LabCorp and Labcorp Genetics (formerly Invitae), Labcorp); PubMed 30702160 (cited by Labcorp Genetics (formerly Invitae), Labcorp); PubMed 10811118 (cited by Labcorp Genetics (formerly Invitae), Labcorp); PubMed 20104584 (cited by Labcorp Genetics (formerly Invitae), Labcorp); PubMed 21922593 (cited by Labcorp Genetics (formerly Invitae), Labcorp); PubMed 24504028 (cited by Labcorp Genetics (formerly Invitae), Labcorp); PubMed 20694749 (cited by 3 submitters); PubMed 22277901 (cited by Ambry Genetics and Counsyl).